The following is an entry in ClinVar:

NM_020376.4(PNPLA2):c.527A>G (p.Tyr176Cys)

Gene: PNPLA2 (patatin like domain 2, triacylglycerol lipase; plus strand). Cytogenetic location: 11p15.5.
Variant type: single nucleotide variant.
Coding change: c.527A>G on transcript NM_020376.4 (MANE Select); coding-DNA position 527, A replaced by G.
Protein change: p.Tyr176Cys; replaces tyrosine 176 with cysteine.
Molecular consequence: missense variant.
Genome position (GRCh38, 1-based): chr11:822,437, A>G. VCF-style: chr11-822437-A-G. GRCh37 (hg19) VCF-style: chr11-822437-A-G.
Other names: short protein forms Y176C.
Identifiers: ClinVar variation 534197 (VCV000534197.5), dbSNP rs141014055, ClinGen allele CA5791047.

ClinVar aggregate classification (germline): Uncertain significance. Review status: criteria provided, multiple submitters, no conflicts (2 of 4 stars). 2 submissions from 2 submitters: Uncertain significance (2). Last evaluated 2023-09-26.

Conditions:
Inborn genetic diseases. Identifiers: MedGen C0950123, MeSH D030342.
Neutral lipid storage myopathy (NLSDM). Also called: NEUTRAL LIPID STORAGE DISEASE WITHOUT ICHTHYOSIS. Identifiers: Orphanet 98908, MedGen C1853136, MONDO:0012545, OMIM 610717.

Allele frequency attached by ClinVar (database versions not stated): ExAC 0.00001; gnomAD 0.00001; gnomAD exomes 0.00001 and 0.00002; TOPMed 0.00001; ESP Exome Variant Server 0.00008.

Submissions (2):

Ambry Genetics
Classification: Uncertain significance for Inborn genetic diseases. Last evaluated: 2023-09-26. Review status: criteria provided, single submitter. Criteria: Ambry Variant Classification Scheme 2023. Collection method: clinical testing. Allele origin: germline.

Labcorp Genetics (formerly Invitae), Labcorp
Classification: Uncertain significance for Neutral lipid storage myopathy. Last evaluated: 2021-09-19. Review status: criteria provided, single submitter. Criteria: Invitae Variant Classification Sherloc (09022015). Collection method: clinical testing. Allele origin: germline.
Comment: In summary, the available evidence is currently insufficient to determine the role of this variant in disease. Therefore, it has been classified as a Variant of Uncertain Significance. Algorithms developed to predict the effect of sequence changes on RNA splicing suggest that this variant may create or strengthen a splice site. Algorithms developed to predict the effect of missense changes on protein structure and function are either unavailable or do not agree on the potential impact of this missense change (SIFT: "Deleterious"; PolyPhen-2: "Benign"; Align-GVGD: "Class C45"). This variant has not been reported in the literature in individuals affected with PNPLA2-related conditions. This variant is present in population databases (rs141014055, ExAC 0.002%). This sequence change replaces tyrosine with cysteine at codon 176 of the PNPLA2 protein (p.Tyr176Cys). The tyrosine residue is highly conserved and there is a large physicochemical difference between tyrosine and cysteine.